The following is an entry in ClinVar:

NM_182493.3(MYLK3):c.436G>C (p.Val146Leu)

Gene: MYLK3 (myosin light chain kinase 3; minus strand). Cytogenetic location: 16q11.2.
Variant type: single nucleotide variant.
Coding change: c.436G>C on transcript NM_182493.3 (MANE Select); coding-DNA position 436, G replaced by C.
Protein change: p.Val146Leu; replaces valine 146 with leucine.
Molecular consequence: missense variant. On other transcripts: intron variant (1).
Genome position (GRCh38, 1-based): chr16:46,747,758, C>G on the plus strand (G>C on the coding strand, the complement: MYLK3 is on the minus strand). VCF-style: chr16-46747758-C-G. GRCh37 (hg19) VCF-style: chr16-46781670-C-G.
Other names: c.-113-7611G>C (NM_001308301.1); short protein forms V146L.
Identifiers: ClinVar variation 1377014 (VCV001377014.8), dbSNP rs1333222341, ClinGen allele CA395796815.
Genomic context (GRCh38, chr16:46,747,758, plus strand): 5'-CAGGGAAGCAGGAACCAACCTCCTCAGGGCTGTCACCTGGGCTGCCTCTCCTCCAGGGCA[C>G]ACGCCCCTGCATGAGGAAATCCGCCACCTTTGATTTCTGGAACGTGGCCCCCACCAAAGC-3'
Protein context (NP_872299.2, residues 136-156): KVADFLMQGR[Val146Leu]PWRRGSPGDS

ClinVar aggregate classification (germline): Uncertain significance (1 of 4 stars; one submission).

Submission:

Labcorp Genetics (formerly Invitae), Labcorp
Classification: Uncertain significance. Last evaluated: 2022-03-08. Review status: criteria provided, single submitter. Criteria: Invitae Variant Classification Sherloc (09022015). Collection method: clinical testing. Allele origin: germline.
Comment: In summary, the available evidence is currently insufficient to determine the role of this variant in disease. Therefore, it has been classified as a Variant of Uncertain Significance. Algorithms developed to predict the effect of missense changes on protein structure and function (SIFT, PolyPhen-2, Align-GVGD) all suggest that this variant is likely to be tolerated. This variant has not been reported in the literature in individuals affected with MYLK3-related conditions. This variant is not present in population databases (gnomAD no frequency). This sequence change replaces valine, which is neutral and non-polar, with leucine, which is neutral and non-polar, at codon 146 of the MYLK3 protein (p.Val146Leu).